The following is an entry in ClinVar:

ClinVar aggregate classification (germline): Benign. Review status: criteria provided, multiple submitters, no conflicts (2 of 4 stars). 4 submissions from 4 submitters: Benign (3). 1 of the submissions does not count toward it. Last evaluated 2026-01-28.

Conditions:
ABCA3-related disorder. Also called: ABCA3-related condition.
Hereditary pulmonary alveolar proteinosis. Also called: Pulmonary surfactant metabolism dysfunction. Identifiers: Orphanet 264675, MedGen C3711368, MONDO:0012580.

Allele frequency attached by ClinVar (database versions not stated): gnomAD exomes 0.00029 and 0.00076; ExAC 0.00093; gnomAD 0.00279 and 0.00297; 1000 Genomes Project 0.00300; TOPMed 0.00317; 1000 Genomes Project 30x 0.00406; ESP Exome Variant Server 0.00408.

Submissions (4):

Labcorp Genetics (formerly Invitae), Labcorp
Classification: Benign. Last evaluated: 2026-01-28. Review status: criteria provided, single submitter. Criteria: Invitae Variant Classification Sherloc (09022015). Collection method: clinical testing. Allele origin: germline.

Ambry Genetics
Classification: Benign for Hereditary pulmonary alveolar proteinosis. Last evaluated: 2014-07-03. Review status: criteria provided, single submitter. Criteria: Ambry Variant Classification Scheme 2023. Collection method: clinical testing. Allele origin: germline.

Breakthrough Genomics
Classification: Benign. Review status: criteria provided, single submitter. Criteria: ACMG Guidelines, 2015. Collection method: not provided. Allele origin: germline. Inheritance: Autosomal recessive inheritance. Affected: yes.

PreventionGenetics, part of Exact Sciences
Classification: Benign for ABCA3-related condition. Last evaluated: 2019-08-29. Review status: no assertion criteria provided. Collection method: clinical testing. Allele origin: germline. Not counted in ClinVar's aggregate classification.
Comment: This variant is classified as benign based on ACMG/AMP sequence variant interpretation guidelines (Richards et al. 2015 PMID: 25741868, with internal and published modifications).

NM_001089.3(ABCA3):c.1766G>A (p.Arg589Gln)

Gene: ABCA3 (ATP binding cassette subfamily A member 3; minus strand). Cytogenetic location: 16p13.3.
Variant type: single nucleotide variant.
Coding change: c.1766G>A on transcript NM_001089.3 (MANE Select); coding-DNA position 1766, G replaced by A.
Protein change: p.Arg589Gln; replaces arginine 589 with glutamine.
Molecular consequence: missense variant.
Genome position (GRCh38, 1-based): chr16:2,298,516, C>T on the plus strand (G>A on the coding strand, the complement: ABCA3 is on the minus strand). VCF-style: chr16-2298516-C-T. GRCh37 (hg19) VCF-style: chr16-2348517-C-T.
Other names: short protein forms R589Q.
Identifiers: ClinVar variation 789828 (VCV000789828.14), dbSNP rs148843652, ClinGen allele CA7841098.
Genomic context (GRCh38, chr16:2,298,516, plus strand): 5'-CCCAGGCTCTTCCGGATCTGAACCATGTCCTGGGAAATTTCATACCCGCTGATGTATGCC[C>T]GTCCACTGGTGGGGGGAAAGAGACCTGGGGCCCAGCAGGAGACCCCACATTCAGCATGAA-3'
Protein context (NP_001080.2, residues 579-599): LTGLFPPTSG[Arg589Gln]AYISGYEISQ